The following is an entry in ClinVar:

NM_001379270.1(CNGA1):c.1279G>A (p.Glu427Lys)

Genes: CNGA1 (cyclic nucleotide gated channel subunit alpha 1; minus strand), LOC101927157 (uncharacterized LOC101927157; plus strand). Cytogenetic location: 4p12.
Variant type: single nucleotide variant.
Coding change: c.1279G>A on transcript NM_001379270.1 (MANE Select); coding-DNA position 1279, G replaced by A.
Protein change: p.Glu427Lys; replaces glutamic acid 427 with lysine.
Molecular consequence: missense variant.
Genome position (GRCh38, 1-based): chr4:47,937,203, C>T on the plus strand (G>A on the coding strand, the complement: CNGA1 is on the minus strand). VCF-style: chr4-47937203-C-T. GRCh37 (hg19) VCF-style: chr4-47939220-C-T.
Other names: c.1279G>A, p.Glu427Lys (NM_000087.5, NM_001142564.2); short protein forms E427K.
Identifiers: ClinVar variation 2113437 (VCV002113437.4), dbSNP rs761502235, ClinGen allele CA2911104.
Genomic context (GRCh38, chr4:47,937,203, plus strand): 5'-TCTCATCAACTGTTTTTTTGTTGGTCCACAGGTAGTCAAACCATTTAATAACCCTCTTTT[C>T]CATATCTTTGCTTACATTTCGAAAATGCATATATTGCTTGATAGCATCAATTCTTGCTTG-3'
Protein context (NP_001366199.1, residues 417-437): MHFRNVSKDM[Glu427Lys]KRVIKWFDYL

ClinVar aggregate classification (germline): Uncertain significance (1 of 4 stars; one submission).

Allele frequency attached by ClinVar (database versions not stated): gnomAD exomes below 0.00001; ExAC 0.00001; gnomAD 0.00001; TOPMed 0.00003.
gnomAD v4.1: 4 of 1,614,022 alleles (0.00025%); highest among the groups gnomAD compares: Admixed American, 0.005%; no homozygotes.

Submission:

Labcorp Genetics (formerly Invitae), Labcorp
Classification: Uncertain significance. Last evaluated: 2022-06-08. Review status: criteria provided, single submitter. Criteria: Invitae Variant Classification Sherloc (09022015). Collection method: clinical testing. Allele origin: germline.
Comment: This sequence change replaces glutamic acid, which is acidic and polar, with lysine, which is basic and polar, at codon 431 of the CNGA1 protein (p.Glu431Lys). This variant is present in population databases (rs761502235, gnomAD 0.003%). This variant has not been reported in the literature in individuals affected with CNGA1-related conditions. Algorithms developed to predict the effect of missense changes on protein structure and function (SIFT, PolyPhen-2, Align-GVGD) all suggest that this variant is likely to be disruptive. In summary, the available evidence is currently insufficient to determine the role of this variant in disease. Therefore, it has been classified as a Variant of Uncertain Significance.